The following is an entry in ClinVar:

ClinVar aggregate classification (germline): Uncertain significance (1 of 4 stars; one submission).

Allele frequency attached by ClinVar (database versions not stated): TOPMed below 0.00001; ExAC 0.00001; gnomAD 0.00001; gnomAD exomes 0.00002.

Submission:

Labcorp Genetics (formerly Invitae), Labcorp
Classification: Uncertain significance. Last evaluated: 2022-07-05. Review status: criteria provided, single submitter. Criteria: Invitae Variant Classification Sherloc (09022015). Collection method: clinical testing. Allele origin: germline.
Comment: This sequence change replaces proline, which is neutral and non-polar, with threonine, which is neutral and polar, at codon 292 of the ADAMTSL4 protein (p.Pro292Thr). This variant is present in population databases (rs770635604, gnomAD 0.002%). This variant has not been reported in the literature in individuals affected with ADAMTSL4-related conditions. Algorithms developed to predict the effect of missense changes on protein structure and function (SIFT, PolyPhen-2, Align-GVGD) all suggest that this variant is likely to be tolerated. In summary, the available evidence is currently insufficient to determine the role of this variant in disease. Therefore, it has been classified as a Variant of Uncertain Significance.

NM_019032.6(ADAMTSL4):c.874C>A (p.Pro292Thr)

Genes: ADAMTSL4 (ADAMTS like 4; plus strand), ADAMTSL4-AS2 (ADAMTSL4 antisense RNA 2; minus strand). Cytogenetic location: 1q21.2.
Variant type: single nucleotide variant.
Coding change: c.874C>A on transcript NM_019032.6 (MANE Select); coding-DNA position 874, C replaced by A.
Protein change: p.Pro292Thr; replaces proline 292 with threonine.
Molecular consequence: missense variant.
Genome position (GRCh38, 1-based): chr1:150,553,865, C>A. VCF-style: chr1-150553865-C-A. GRCh37 (hg19) VCF-style: chr1-150526341-C-A.
Other names: c.874C>A, p.Pro292Thr (NM_001288607.2, NM_001288608.2, NM_001378596.1 and 1 more transcripts); short protein forms P292T.
Identifiers: ClinVar variation 1959235 (VCV001959235.2), dbSNP rs770635604, ClinGen allele CA1078056.